The following is an entry in ClinVar:

ClinVar aggregate classification (germline): Pathogenic (1 of 4 stars; one submission).

Submission:

Labcorp Genetics (formerly Invitae), Labcorp
Classification: Pathogenic. Last evaluated: 2022-09-09. Review status: criteria provided, single submitter. Criteria: Invitae Variant Classification Sherloc (09022015). Collection method: clinical testing. Allele origin: germline.
Comment: For these reasons, this variant has been classified as Pathogenic. This variant has not been reported in the literature in individuals affected with ABCB11-related conditions. This variant is not present in population databases (gnomAD no frequency). This sequence change creates a premature translational stop signal (p.Gly660Glufs*10) in the ABCB11 gene. It is expected to result in an absent or disrupted protein product. Loss-of-function variants in ABCB11 are known to be pathogenic (PMID: 18395098, 20232290).

Literature cited by the submitters: PubMed 18395098; PubMed 20232290.

NM_003742.4(ABCB11):c.1979del (p.Gly660fs)

Gene: ABCB11 (ATP binding cassette subfamily B member 11; minus strand). Cytogenetic location: 2q31.1.
Variant type: Deletion.
Coding change: c.1979del on transcript NM_003742.4 (MANE Select); coding-DNA position 1979, one base deleted (G; older notation c.1979delG).
Protein change: p.Gly660fs; shifts the reading frame from glycine 660.
Molecular consequence: frameshift variant.
Genome position (GRCh38, 1-based): chr2:168,969,382, C deleted on the plus strand (G on the coding strand, the reverse complement: ABCB11 is on the minus strand); the first of 3 consecutive C bases (chr2:168,969,382-168,969,384); deleting any one gives the same sequence. VCF-style (leftmost placement, unchanged base first): chr2-168969381-TC-T. GRCh37 (hg19) VCF-style: chr2-169825891-TC-T.
Other names: short protein forms G660fs.
Identifiers: ClinVar variation 2029779 (VCV002029779.4), dbSNP rs2545379327, ClinGen allele CA2580064387.